The following is an entry in ClinVar:

NM_000138.5(FBN1):c.6397_6399del (p.Glu2133del)

Gene: FBN1 (fibrillin 1; minus strand). Cytogenetic location: 15q21.1.
Variant type: Deletion.
Coding change: c.6397_6399del on transcript NM_000138.5 (MANE Select); coding-DNA positions 6397 to 6399, 3 bases deleted (GAA; older notation c.6397_6399delGAA).
Protein change: p.Glu2133del; deletes glutamic acid 2133.
Molecular consequence: inframe deletion.
Genome position (GRCh38, 1-based): chr15:48,437,058-48,437,060, TTC deleted on the plus strand (GAA on the coding strand, the reverse complement: FBN1 is on the minus strand); deleting any 3 consecutive bases within chr15:48,437,058-48,437,062 gives the same sequence; the c. name uses the placement nearest the transcript's 3' end. VCF-style (leftmost placement, unchanged base first): chr15-48437057-GTTC-G. GRCh37 (hg19) VCF-style: chr15-48729254-GTTC-G.
Other names: c.6397_6399delGAA (NM_000138.4); short protein forms E2133del.
Identifiers: ClinVar variation 406291 (VCV000406291.8), dbSNP rs1060501037, ClinGen allele CA16614800.
Genomic context (GRCh38, chr15:48,437,057, plus strand): 5'-GACACTCGCAGCGATAGGAACCATCTGTATTGATGCACTGTCCATGTTTACAGACATCGG[GTTC>G]TTTGCATTCGTCCATATCTTAAGCAAGAGAAAAAAAATAGTGAATAACAAGGTATTTTTT-3'

ClinVar aggregate classification (germline): Uncertain significance (1 of 4 stars; one submission).

Conditions:
Marfan syndrome (MFS). Also called: Marfan syndrome, classic; Marfan syndrome type 1; Marfan's syndrome; MARFAN SYNDROME, TYPE I; FBN1-Related Marfan Syndrome. Identifiers: Orphanet 284963, Orphanet 558, MedGen C0024796, MONDO:0007947, OMIM 154700.
Familial thoracic aortic aneurysm and aortic dissection (TAAD). Also called: Thoracic aortic aneurysms and dissections. Identifiers: Orphanet 91387, MedGen C4707243, MONDO:0019625.

Submission:

Labcorp Genetics (formerly Invitae), Labcorp
Classification: Uncertain significance for Marfan syndrome; Familial thoracic aortic aneurysm and aortic dissection. Last evaluated: 2017-03-06. Review status: criteria provided, single submitter. Criteria: Invitae Variant Classification Sherloc (09022015). Collection method: clinical testing. Allele origin: germline.
Comment: This variant is not present in population databases (ExAC no frequency) and has not been reported in the literature in individuals with a FBN1-related disease. In summary, this variant is a novel in-frame deletion with an uncertain impact on protein function. It has been classified as a Variant of Uncertain Significance. Experimental studies and prediction algorithms are not available for this variant, and the functional significance of the deleted amino acid is currently unknown. This sequence change deletes 3 nucleotides from exon 53 of the FBN1 mRNA (c.6397_6399delGAA). This leads to the deletion of 1 amino acid residue in the FBN1 protein (p.Glu2133del) but otherwise preserves the integrity of the reading frame.